The following is an entry in ClinVar:

ClinVar aggregate classification (germline): Pathogenic/Likely pathogenic. Review status: criteria provided, multiple submitters, no conflicts (2 of 4 stars). 3 submissions from 3 submitters: Pathogenic (2); Likely pathogenic (1). Last evaluated 2024-03-11.

Conditions:
Progressive sclerosing poliodystrophy (MTDPS4A). Also called: ALPERS PROGRESSIVE INFANTILE POLIODYSTROPHY; NEURONAL DEGENERATION OF CHILDHOOD WITH LIVER DISEASE, PROGRESSIVE; Alpers-Huttenlocher Syndrome (AHS); Alpers Syndrome; Mitochondrial DNA Depletion Syndrome 4A; ALPERS DIFFUSE DEGENERATION OF CEREBRAL GRAY MATTER WITH HEPATIC CIRRHOSIS. Identifiers: Orphanet 726, MedGen C0205710, MONDO:0008758, OMIM 203700.

Allele frequency attached by ClinVar (database versions not stated): gnomAD exomes below 0.00001.
gnomAD v4.1: 1 of 1,613,858 alleles (0.000062%); highest among the groups gnomAD compares: Non-Finnish European, 0.000085%; no homozygotes.

Submissions (3):

Labcorp Genetics (formerly Invitae), Labcorp
Classification: Likely pathogenic for Progressive sclerosing poliodystrophy. Last evaluated: 2024-03-11. Review status: criteria provided, single submitter. Criteria: Invitae Variant Classification Sherloc (09022015). Collection method: clinical testing. Allele origin: germline.
Comment: This sequence change affects an acceptor splice site in intron 21 of the POLG gene. It is expected to disrupt RNA splicing. Variants that disrupt the donor or acceptor splice site typically lead to a loss of protein function (PMID: 16199547), and loss-of-function variants in POLG are known to be pathogenic (PMID: 18546365). This variant is not present in population databases (gnomAD no frequency). This variant has not been reported in the literature in individuals affected with POLG-related conditions. ClinVar contains an entry for this variant (Variation ID: 372866). Algorithms developed to predict the effect of sequence changes on RNA splicing suggest that this variant may disrupt the consensus splice site. In summary, the currently available evidence indicates that the variant is pathogenic, but additional data are needed to prove that conclusively. Therefore, this variant has been classified as Likely Pathogenic.

GeneDx
Classification: Pathogenic. Last evaluated: 2022-11-13. Review status: criteria provided, single submitter. Criteria: GeneDx Variant Classification Process June 2021. Collection method: clinical testing. Allele origin: germline. Affected: yes.
Comment: Canonical splice site variant predicted to result in a null allele in a gene for which loss of function is a known mechanism of disease; Not observed at significant frequency in large population cohorts (gnomAD); Has not been previously published as pathogenic or benign to our knowledge

Wong Mito Lab, Molecular and Human Genetics, Baylor College of Medicine
Classification: Pathogenic for Progressive sclerosing poliodystrophy. Last evaluated: 2018-10-01. Review status: criteria provided, single submitter. Criteria: ACMG Guidelines, 2015. Collection method: clinical testing. Allele origin: germline.
Comment: The NM_002693.2:c.3483-2A>G (NP_002684.1:p.=) [GRCH38: NC_000015.10:g.89317538T>C] variant in POLG gene is interpretated to be a Pathogenic based on ACMG guidelines (PMID: 25741868). This variant meets the following evidence codes reported in the ACMG-guideline. PVS1:This variant is a predicted null variant in POLG where loss of function is a known mechanism of disease. PM2:This variant is absent in key population databases. PM3:Detected in trans with a pathogenic variant for Mitochondrial DNA depletion syndrome 4A (Alpers type) which is a recessive disorder. PM4:This variant causes alteration in the length of expressed protein. PP1:This variant is co-segregated with Mitochondrial DNA depletion syndrome 4A (Alpers type) in multiple affected family members. PP4:Patient's phenotype or family history is highly specific for POLG. Based on the evidence criteria codes applied, the variant is suggested to be Pathogenic.

Literature cited by the submitters: PubMed 16199547 (cited by Labcorp Genetics (formerly Invitae), Labcorp); PubMed 18546365 (cited by Labcorp Genetics (formerly Invitae), Labcorp).

NM_002693.3(POLG):c.3483-2A>G

Gene: POLG (DNA polymerase gamma, catalytic subunit; minus strand). Cytogenetic location: 15q26.1.
Variant type: single nucleotide variant.
Coding change: c.3483-2A>G on transcript NM_002693.3 (MANE Select); the canonical splice acceptor site of the intron before coding-DNA position 3483, A replaced by G.
Molecular consequence: splice acceptor variant.
Genome position (GRCh38, 1-based): chr15:89,317,538, T>C on the plus strand (A>G on the coding strand, the complement: POLG is on the minus strand). VCF-style: chr15-89317538-T-C. GRCh37 (hg19) VCF-style: chr15-89860769-T-C.
Other names: c.3483-2A>G (NM_001126131.2).
Identifiers: ClinVar variation 372866 (VCV000372866.11), dbSNP rs1057518035, ClinGen allele CA10602278.